The following is an entry in ClinVar:

NM_020693.4(DSCAML1):c.3980+3G>A

Gene: DSCAML1 (DS cell adhesion molecule like 1; minus strand). Cytogenetic location: 11q23.3.
Variant type: single nucleotide variant.
Coding change: c.3980+3G>A on transcript NM_020693.4 (MANE Select); 3 bases into the intron after coding-DNA position 3980, G replaced by A.
Molecular consequence: intron variant.
Genome position (GRCh38, 1-based): chr11:117,439,816, C>T on the plus strand (G>A on the coding strand, the complement: DSCAML1 is on the minus strand). VCF-style: chr11-117439816-C-T. GRCh37 (hg19) VCF-style: chr11-117310532-C-T.
Identifiers: ClinVar variation 1491147 (VCV001491147.6), dbSNP rs746454362, ClinGen allele CA6296538.

ClinVar aggregate classification (germline): Uncertain significance (1 of 4 stars; one submission).

Allele frequency attached by ClinVar (database versions not stated): gnomAD 0.00001; ExAC 0.00003; gnomAD exomes 0.00003; TOPMed 0.00005.

Submission:

Labcorp Genetics (formerly Invitae), Labcorp
Classification: Uncertain significance. Last evaluated: 2025-08-12. Review status: criteria provided, single submitter. Criteria: Invitae Variant Classification Sherloc (09022015). Collection method: clinical testing. Allele origin: germline.
Comment: This sequence change falls in intron 22 of the DSCAML1 gene. It does not directly change the encoded amino acid sequence of the DSCAML1 protein. It affects a nucleotide within the consensus splice site. This variant is present in population databases (rs746454362, gnomAD 0.004%). This variant has not been reported in the literature in individuals affected with DSCAML1-related conditions. ClinVar contains an entry for this variant (Variation ID: 1491147). Variants that disrupt the consensus splice site are a relatively common cause of aberrant splicing (PMID: 17576681, 9536098). Algorithms developed to predict the effect of sequence changes on RNA splicing suggest that this variant is not likely to affect RNA splicing. In summary, the available evidence is currently insufficient to determine the role of this variant in disease. Therefore, it has been classified as a Variant of Uncertain Significance.

Literature cited by the submitters: PubMed 17576681; PubMed 9536098.